The following is an entry in ClinVar:

NM_004370.6(COL12A1):c.6744T>C (p.Ile2248=)

Gene: COL12A1 (collagen type XII alpha 1 chain; minus strand). Cytogenetic location: 6q13.
Variant type: single nucleotide variant.
Coding change: c.6744T>C on transcript NM_004370.6 (MANE Select); coding-DNA position 6744, T replaced by C.
Protein change: p.Ile2248=; no amino-acid change (isoleucine 2248 retained).
Molecular consequence: synonymous variant.
Genome position (GRCh38, 1-based): chr6:75,124,075, A>G on the plus strand (T>C on the coding strand, the complement: COL12A1 is on the minus strand). VCF-style: chr6-75124075-A-G. GRCh37 (hg19) VCF-style: chr6-75833791-A-G.
Other names: c.3252T>C, p.Ile1084= (NM_080645.3).
Identifiers: ClinVar variation 746129 (VCV000746129.21), dbSNP rs1420789055, ClinGen allele CA450919908.

ClinVar aggregate classification (germline): Likely benign. Review status: criteria provided, multiple submitters, no conflicts (2 of 4 stars). 2 submissions from 2 submitters: Likely benign (2). Last evaluated 2025-02-01.

Conditions:
Ullrich congenital muscular dystrophy 2 (UCMD2). Identifiers: Orphanet 75840, MedGen C4225314, MONDO:0014654, OMIM 616470.
Bethlem myopathy 2 (BTHLM2). Identifiers: Orphanet 536516, Orphanet 610, MedGen C4225313, MONDO:0034022, OMIM 616471.

Allele frequency attached by ClinVar (database versions not stated): gnomAD exomes below 0.00001 and 0.00001; gnomAD 0.00001; TOPMed 0.00001.
gnomAD v4.1: 6 of 1,613,416 alleles (0.00037%); highest among the groups gnomAD compares: Non-Finnish European, 0.00051%; no homozygotes.

Submissions (2):

CeGaT Center for Human Genetics Tuebingen
Classification: Likely benign. Last evaluated: 2025-02-01. Review status: criteria provided, single submitter. Criteria: CeGaT Center For Human Genetics Tuebingen Variant Classification Criteria Version 2. Collection method: clinical testing. Allele origin: germline. Affected: yes. Observed: 1 variant allele.
Comment: COL12A1: BP4, BP7

Labcorp Genetics (formerly Invitae), Labcorp
Classification: Likely benign for Bethlem myopathy 2; Ullrich congenital muscular dystrophy 2. Last evaluated: 2023-04-09. Review status: criteria provided, single submitter. Criteria: Invitae Variant Classification Sherloc (09022015). Collection method: clinical testing. Allele origin: germline.